The following is an entry in ClinVar:

NM_001903.5(CTNNA1):c.1282A>G (p.Asn428Asp)

Gene: CTNNA1 (catenin alpha 1; plus strand). Cytogenetic location: 5q31.2.
Variant type: single nucleotide variant.
Coding change: c.1282A>G on transcript NM_001903.5 (MANE Select); coding-DNA position 1282, A replaced by G.
Protein change: p.Asn428Asp; replaces asparagine 428 with aspartic acid.
Molecular consequence: missense variant. On other transcripts: 5 prime UTR variant (5), intron variant (2).
Genome position (GRCh38, 1-based): chr5:138,887,628, A>G. VCF-style: chr5-138887628-A-G. GRCh37 (hg19) VCF-style: chr5-138223317-A-G.
Other names: c.1282A>G, p.Asn428Asp (NM_001290307.3, NM_001323982.2, NM_001323983.1 and 3 more transcripts); c.973A>G, p.Asn325Asp (NM_001290309.3); c.913A>G, p.Asn305Asp (NM_001290310.3); c.172A>G, p.Asn58Asp (NM_001290312.1, NM_001323987.1, NM_001323988.1 and 18 more transcripts); c.-226A>G (NM_001324006.1, NM_001324007.1, NM_001324008.1 and 1 more transcripts); c.-101A>G (NM_001324013.1); c.-58+12031A>G (NM_001324012.1); c.-61+12031A>G (NM_001324010.1); and 1 more; short protein forms N305D, N325D, N428D, N58D.
Identifiers: ClinVar variation 862938 (VCV000862938.10), dbSNP rs780285551, ClinGen allele CA3431891.

ClinVar aggregate classification (germline): Uncertain significance. Review status: criteria provided, multiple submitters, no conflicts (2 of 4 stars). 2 submissions from 2 submitters: Uncertain significance (2). Last evaluated 2024-06-14.

Conditions:
Hereditary cancer-predisposing syndrome. Also called: Hereditary Cancer Syndrome; Tumor predisposition; Neoplastic Syndromes, Hereditary; Hereditary neoplastic syndrome. Identifiers: Orphanet 140162, MedGen C0027672, MeSH D009386, MONDO:0015356.

Allele frequency attached by ClinVar (database versions not stated): gnomAD exomes below 0.00001; ExAC 0.00001; gnomAD 0.00001; TOPMed 0.00001.
gnomAD v4.1: 2 of 1,609,912 alleles (0.00012%); highest among the groups gnomAD compares: East Asian, 0.0045%; no homozygotes.

Submissions (2):

Labcorp Genetics (formerly Invitae), Labcorp
Classification: Uncertain significance. Last evaluated: 2024-06-14. Review status: criteria provided, single submitter. Criteria: Invitae Variant Classification Sherloc (09022015). Collection method: clinical testing. Allele origin: germline.
Comment: This sequence change replaces asparagine, which is neutral and polar, with aspartic acid, which is acidic and polar, at codon 428 of the CTNNA1 protein (p.Asn428Asp). This variant is present in population databases (rs780285551, gnomAD 0.006%). This variant has not been reported in the literature in individuals affected with CTNNA1-related conditions. ClinVar contains an entry for this variant (Variation ID: 862938). Advanced modeling of protein sequence and biophysical properties (such as structural, functional, and spatial information, amino acid conservation, physicochemical variation, residue mobility, and thermodynamic stability) performed at Invitae indicates that this missense variant is not expected to disrupt CTNNA1 protein function with a negative predictive value of 80%. In summary, the available evidence is currently insufficient to determine the role of this variant in disease. Therefore, it has been classified as a Variant of Uncertain Significance.

Ambry Genetics
Classification: Uncertain significance for Hereditary cancer-predisposing syndrome. Last evaluated: 2024-03-03. Review status: criteria provided, single submitter. Criteria: Ambry Variant Classification Scheme 2023. Collection method: clinical testing. Allele origin: germline.
Comment: The p.N428D variant (also known as c.1282A>G), located in coding exon 8 of the CTNNA1 gene, results from an A to G substitution at nucleotide position 1282. The asparagine at codon 428 is replaced by aspartic acid, an amino acid with highly similar properties. This amino acid position is conserved. In addition, this alteration is predicted to be tolerated by in silico analysis. Based on the available evidence, the clinical significance of this alteration remains unclear.